The following is an entry in ClinVar:

NM_001166108.2(PALLD):c.2850+4A>C

Genes: CBR4 (carbonyl reductase 4; minus strand), PALLD (palladin, cytoskeletal associated protein; plus strand). Cytogenetic location: 4q32.3.
Variant type: single nucleotide variant.
Coding change: c.2850+4A>C on transcript NM_001166108.2 (MANE Select); 4 bases into the intron after coding-DNA position 2850, A replaced by C.
Molecular consequence: intron variant.
Genome position (GRCh38, 1-based): chr4:168,916,031, A>C. VCF-style: chr4-168916031-A-C. GRCh37 (hg19) VCF-style: chr4-169837182-A-C.
Other names: c.2799+4A>C (NM_016081.4); c.1653+4A>C (NM_001166109.2); c.1338+4A>C (NM_001166110.2); c.729+4A>C (NM_001367570.1, NM_001367568.1); c.678+4A>C (NM_001367567.1, NM_001367569.1).
Identifiers: ClinVar variation 2788585 (VCV002788585.3), dbSNP rs745655806, ClinGen allele CA3135964.

ClinVar aggregate classification (germline): Uncertain significance (1 of 4 stars; one submission).

Conditions:
Pancreatic adenocarcinoma. Identifiers: MedGen C0281361, MONDO:0006047, HP:0006725.

Allele frequency attached by ClinVar (database versions not stated): gnomAD exomes below 0.00001; ExAC 0.00001.
gnomAD v4.1: 1 of 1,613,124 alleles (0.000062%); highest among the groups gnomAD compares: Non-Finnish European, 0.000085%; no homozygotes.

Submission:

Labcorp Genetics (formerly Invitae), Labcorp
Classification: Uncertain significance for Pancreatic adenocarcinoma. Last evaluated: 2023-03-18. Review status: criteria provided, single submitter. Criteria: Invitae Variant Classification Sherloc (09022015). Collection method: clinical testing. Allele origin: germline.
Comment: This sequence change falls in intron 8 of the PALLD gene. It does not directly change the encoded amino acid sequence of the PALLD protein. It affects a nucleotide within the consensus splice site. This variant is present in population databases (rs745655806, gnomAD 0.0009%). This variant has not been reported in the literature in individuals affected with PALLD-related conditions. Variants that disrupt the consensus splice site are a relatively common cause of aberrant splicing (PMID: 17576681, 9536098). Algorithms developed to predict the effect of sequence changes on RNA splicing suggest that this variant is not likely to affect RNA splicing. In summary, the available evidence is currently insufficient to determine the role of this variant in disease. Therefore, it has been classified as a Variant of Uncertain Significance.

Literature cited by the submitters: PubMed 17576681; PubMed 9536098.